The following is an entry in ClinVar:

NM_001378615.1(CC2D2A):c.2854A>T (p.Arg952Ter)

Genes: CC2D2A (coiled-coil and C2 domain containing 2A; plus strand), FBXL5 (F-box and leucine rich repeat protein 5; minus strand). Cytogenetic location: 4p15.32.
Variant type: single nucleotide variant.
Coding change: c.2854A>T on transcript NM_001378615.1 (MANE Select); coding-DNA position 2854, A replaced by T.
Protein change: p.Arg952Ter; replaces arginine 952 with a stop codon.
Molecular consequence: nonsense.
Genome position (GRCh38, 1-based): chr4:15,559,189, A>T. VCF-style: chr4-15559189-A-T. GRCh37 (hg19) VCF-style: chr4-15560812-A-T.
Other names: c.2854A>T, p.Arg952Ter (NM_001080522.2); c.2707A>T, p.Arg903Ter (NM_001378617.1); short protein forms R903*, R952*.
Identifiers: ClinVar variation 3759721 (VCV003759721.3).
Genomic context (GRCh38, chr4:15,559,189, plus strand): 5'-GAGTGCTTTAAAATCATTGCCTCTTTTTAATTTTAGGACTATGAGAAACGGTTACGAGAC[A>T]GAAATGTAATAGAAACCAAGGAACACATAGACACCCATAGGGCCATAGTAGCCAAGTACC-3'

ClinVar aggregate classification (germline): Pathogenic. Review status: criteria provided, multiple submitters, no conflicts (2 of 4 stars). 2 submissions from 2 submitters: Pathogenic (2). Last evaluated 2025-04-03.

Conditions:
Joubert syndrome. Also called: JOUBERT-BOLTSHAUSER SYNDROME; Familial aplasia of the vermis. Identifiers: Orphanet 475, MedGen C5979921, MONDO:0018772.
Meckel-Gruber syndrome. Also called: DYSENCEPHALIA SPLANCHNOCYSTICA; GRUBER SYNDROME; Dysencephalia splachnocystica. Identifiers: Orphanet 564, MedGen C0265215, MONDO:0018921.
Joubert syndrome and related disorders. Identifiers: Orphanet 140874, MedGen C5679612, MONDO:0015369.

Submissions (2):

Myriad Genetics, Inc.
Classification: Pathogenic for Joubert syndrome and related disorders. Last evaluated: 2025-04-03. Review status: criteria provided, single submitter. Criteria: Myriad Autosomal Dominant, Autosomal Recessive and X-Linked Classification Criteria (2023). Collection method: clinical testing. Allele origin: unknown.
Comment: NM_001080522.2(CC2D2A):c.2854A>T(R952*) is expected to be pathogenic in the context of CC2D2A-related disorders. This variant is predicted to lead to an abnormal or absent protein product due to the creation of a premature termination codon in CC2D2A, a gene where loss-of-function variants are known to be pathogenic. Please note: this variant was assessed in the context of healthy population screening.

Labcorp Genetics (formerly Invitae), Labcorp
Classification: Pathogenic for Joubert syndrome; Meckel-Gruber syndrome. Last evaluated: 2024-12-02. Review status: criteria provided, single submitter. Criteria: Invitae Variant Classification Sherloc (09022015). Collection method: clinical testing. Allele origin: germline.
Comment: This sequence change creates a premature translational stop signal (p.Arg952*) in the CC2D2A gene. It is expected to result in an absent or disrupted protein product. Loss-of-function variants in CC2D2A are known to be pathogenic (PMID: 19777577). This variant is not present in population databases (gnomAD no frequency). This variant has not been reported in the literature in individuals affected with CC2D2A-related conditions. For these reasons, this variant has been classified as Pathogenic.

Literature cited by the submitters: PubMed 19777577 (cited by Labcorp Genetics (formerly Invitae), Labcorp).